The following is an entry in ClinVar:

ClinVar aggregate classification (germline): Likely benign. Review status: criteria provided, multiple submitters, no conflicts (2 of 4 stars). 2 submissions from 2 submitters: Likely benign (2). Last evaluated 2026-07-22.

Conditions:
AHI1-related disorder. Also called: AHI1-related condition.
Joubert syndrome. Also called: Familial aplasia of the vermis; JOUBERT-BOLTSHAUSER SYNDROME. Identifiers: Orphanet 475, MedGen C5979921, MONDO:0018772.

Allele frequency attached by ClinVar (database versions not stated): gnomAD exomes below 0.00001.
gnomAD v4.1: 1 of 1,586,476 alleles (0.000063%); highest among the groups gnomAD compares: Admixed American, 0.0017%; no homozygotes.

Submissions (2):

PreventionGenetics, part of Exact Sciences
Classification: Likely benign for AHI1-related condition. Last evaluated: 2026-07-22. Review status: criteria provided, single submitter. Criteria: ACMG Guidelines, 2015. Collection method: clinical testing. Allele origin: germline.
Comment: This variant is classified as likely benign based on ACMG/AMP sequence variant interpretation guidelines (Richards et al. 2015 PMID: 25741868, with internal and published modifications).

Labcorp Genetics (formerly Invitae), Labcorp
Classification: Likely benign for Joubert syndrome. Last evaluated: 2015-10-30. Review status: criteria provided, single submitter. Criteria: Invitae Variant Classification Sherloc (09022015). Collection method: clinical testing. Allele origin: germline.

NM_001134831.2(AHI1):c.2421G>A (p.Glu807=)

Gene: AHI1 (Abelson helper integration site 1; minus strand). Cytogenetic location: 6q23.3.
Variant type: single nucleotide variant.
Coding change: c.2421G>A on transcript NM_001134831.2 (MANE Select); coding-DNA position 2421, G replaced by A.
Protein change: p.Glu807=; no amino-acid change (glutamic acid 807 retained).
Molecular consequence: synonymous variant.
Genome position (GRCh38, 1-based): chr6:135,429,953, C>T on the plus strand (G>A on the coding strand, the complement: AHI1 is on the minus strand). VCF-style: chr6-135429953-C-T. GRCh37 (hg19) VCF-style: chr6-135751091-C-T.
Other names: c.2421G>A, p.Glu807= (NM_001134830.2, NM_001134832.2, NM_001350503.2 and 2 more transcripts).
Identifiers: ClinVar variation 220041 (VCV000220041.11), dbSNP rs864622356, ClinGen allele CA349309.